The following is an entry in ClinVar:

ClinVar aggregate classification (germline): Conflicting classifications of pathogenicity. Review status: criteria provided, conflicting classifications (1 of 4 stars). 5 submissions from 5 submitters: Uncertain significance (2); Benign (1); Likely benign (1). 1 of the submissions does not count toward it. Last evaluated 2026-04-20.

Conditions:
ZNF469-related disorder. Also called: ZNF469-related condition.
Cardiovascular phenotype. Identifiers: MedGen CN230736.

Allele frequency attached by ClinVar (database versions not stated): gnomAD exomes 0.00007 and 0.00011; 1000 Genomes Project 30x 0.00047; gnomAD 0.00076 and 0.00081; TOPMed 0.00078.
gnomAD v4.1: 217 of 1,549,144 alleles (0.014%); highest among the groups gnomAD compares: African/African-American, 0.27%; 1 homozygote.

Submissions (5):

Women's Health and Genetics/Laboratory Corporation of America, LabCorp
Classification: Uncertain significance. Last evaluated: 2026-04-20. Review status: criteria provided, single submitter. Criteria: LabCorp Variant Classification Summary - May 2015. Collection method: clinical testing. Allele origin: germline.

Labcorp Genetics (formerly Invitae), Labcorp
Classification: Likely benign. Last evaluated: 2026-01-13. Review status: criteria provided, single submitter. Criteria: Invitae Variant Classification Sherloc (09022015). Collection method: clinical testing. Allele origin: germline.

Ambry Genetics
Classification: Benign for Cardiovascular phenotype. Last evaluated: 2025-01-15. Review status: criteria provided, single submitter. Criteria: Ambry Variant Classification Scheme 2023. Collection method: clinical testing. Allele origin: germline.

GeneDx
Classification: Uncertain significance. Last evaluated: 2024-10-15. Review status: criteria provided, single submitter. Criteria: GeneDx Variant Classification Process June 2021. Collection method: clinical testing. Allele origin: germline. Affected: yes.
Comment: In silico analysis indicates that this missense variant does not alter protein structure/function; Has not been previously published as pathogenic or benign to our knowledge

PreventionGenetics, part of Exact Sciences
Classification: Likely benign for ZNF469-related condition. Last evaluated: 2022-09-06. Review status: no assertion criteria provided. Collection method: clinical testing. Allele origin: germline. Not counted in ClinVar's aggregate classification.
Comment: This variant is classified as likely benign based on ACMG/AMP sequence variant interpretation guidelines (Richards et al. 2015 PMID: 25741868, with internal and published modifications).

NM_001367624.2(ZNF469):c.9676C>A (p.His3226Asn)

Gene: ZNF469 (zinc finger protein 469; plus strand). Cytogenetic location: 16q24.2.
Variant type: single nucleotide variant.
Coding change: c.9676C>A on transcript NM_001367624.2 (MANE Select); coding-DNA position 9676, C replaced by A.
Protein change: p.His3226Asn; replaces histidine 3226 with asparagine.
Molecular consequence: missense variant.
Genome position (GRCh38, 1-based): chr16:88,437,146, C>A. VCF-style: chr16-88437146-C-A. GRCh37 (hg19) VCF-style: chr16-88503554-C-A.
Other names: NM_001127464.1:c.9592C>A; NM_001127464.2:c.9592C>A; short protein forms H3226N.
Identifiers: ClinVar variation 321006 (VCV000321006.24), dbSNP rs867530230, ClinGen allele CA10638622.